The following is an entry in ClinVar:

NM_001134831.2(AHI1):c.1796A>G (p.Asn599Ser)

Gene: AHI1 (Abelson helper integration site 1; minus strand). Cytogenetic location: 6q23.3.
Variant type: single nucleotide variant.
Coding change: c.1796A>G on transcript NM_001134831.2 (MANE Select); coding-DNA position 1796, A replaced by G.
Protein change: p.Asn599Ser; replaces asparagine 599 with serine.
Molecular consequence: missense variant.
Genome position (GRCh38, 1-based): chr6:135,442,698, T>C on the plus strand (A>G on the coding strand, the complement: AHI1 is on the minus strand). VCF-style: chr6-135442698-T-C. GRCh37 (hg19) VCF-style: chr6-135763836-T-C.
Other names: c.1796A>G, p.Asn599Ser (NM_001134830.2, NM_001134832.2, NM_001350503.2 and 2 more transcripts); short protein forms N599S.
Identifiers: ClinVar variation 1047738 (VCV001047738.9), dbSNP rs1429959840, ClinGen allele CA365744660.

ClinVar aggregate classification (germline): Uncertain significance (1 of 4 stars; one submission).

Conditions:
Joubert syndrome. Also called: Familial aplasia of the vermis; CEREBELLOPARENCHYMAL DISORDER IV; JOUBERT-BOLTSHAUSER SYNDROME. Identifiers: Orphanet 475, MedGen C5979921, MONDO:0018772.

Allele frequency attached by ClinVar (database versions not stated): gnomAD exomes below 0.00001.
gnomAD v4.1: 6 of 1,610,392 alleles (0.00037%); highest among the groups gnomAD compares: Non-Finnish European, 0.00051%; no homozygotes.

Submission:

Labcorp Genetics (formerly Invitae), Labcorp
Classification: Uncertain significance for Joubert syndrome. Last evaluated: 2022-07-18. Review status: criteria provided, single submitter. Criteria: Invitae Variant Classification Sherloc (09022015). Collection method: clinical testing. Allele origin: germline.
Comment: In summary, the available evidence is currently insufficient to determine the role of this variant in disease. Therefore, it has been classified as a Variant of Uncertain Significance. Algorithms developed to predict the effect of sequence changes on RNA splicing suggest that this variant may disrupt the consensus splice site. Advanced modeling of protein sequence and biophysical properties (such as structural, functional, and spatial information, amino acid conservation, physicochemical variation, residue mobility, and thermodynamic stability) performed at Invitae indicates that this missense variant is expected to disrupt AHI1 protein function. ClinVar contains an entry for this variant (Variation ID: 1047738). This variant has not been reported in the literature in individuals affected with AHI1-related conditions. This variant is not present in population databases (gnomAD no frequency). This sequence change replaces asparagine, which is neutral and polar, with serine, which is neutral and polar, at codon 599 of the AHI1 protein (p.Asn599Ser).